The following is an entry in ClinVar:

ClinVar aggregate classification (germline): Uncertain significance (1 of 4 stars; one submission).

Allele frequency attached by ClinVar (database versions not stated): gnomAD exomes 0.00001.
gnomAD v4.1: 3 of 1,613,480 alleles (0.00019%); highest among the groups gnomAD compares: Non-Finnish European, 0.00025%; no homozygotes.

Submission:

Labcorp Genetics (formerly Invitae), Labcorp
Classification: Uncertain significance. Last evaluated: 2022-04-07. Review status: criteria provided, single submitter. Criteria: Invitae Variant Classification Sherloc (09022015). Collection method: clinical testing. Allele origin: germline.
Comment: In summary, the available evidence is currently insufficient to determine the role of this variant in disease. Therefore, it has been classified as a Variant of Uncertain Significance. Algorithms developed to predict the effect of missense changes on protein structure and function (SIFT, PolyPhen-2, Align-GVGD) all suggest that this variant is likely to be tolerated. This variant has not been reported in the literature in individuals affected with TSPEAR-related conditions. This variant is not present in population databases (gnomAD no frequency). This sequence change replaces proline, which is neutral and non-polar, with serine, which is neutral and polar, at codon 236 of the TSPEAR protein (p.Pro236Ser).

NM_144991.3(TSPEAR):c.706C>T (p.Pro236Ser)

Gene: TSPEAR (thrombospondin type laminin G domain and EAR repeats; minus strand). Cytogenetic location: 21q22.3.
Variant type: single nucleotide variant.
Coding change: c.706C>T on transcript NM_144991.3 (MANE Select); coding-DNA position 706, C replaced by T.
Protein change: p.Pro236Ser; replaces proline 236 with serine.
Molecular consequence: missense variant.
Genome position (GRCh38, 1-based): chr21:44,529,882, G>A on the plus strand (C>T on the coding strand, the complement: TSPEAR is on the minus strand). VCF-style: chr21-44529882-G-A. GRCh37 (hg19) VCF-style: chr21-45949765-G-A.
Other names: c.502C>T, p.Pro168Ser (NM_001272037.2); short protein forms P236S, P168S.
Identifiers: ClinVar variation 2122521 (VCV002122521.4), dbSNP rs2517385103, ClinGen allele CA410445344.
Genomic context (GRCh38, chr21:44,529,882, plus strand): 5'-TATCTTCTGGCTTCCCCGTGAGAGCCTGCAGGACCCGTGGGATGGACAGCACCGCCAGCG[G>A]GGCGTTCCTGCTGGGACACAGCCTTGGGGTGGCGTCTGAGCCCGGCAGCAGGACCAGTTG-3'
Protein context (NP_659428.2, residues 226-246): TPRLCPSRNA[Pro236Ser]LAVLSIPRVL